The following is an entry in ClinVar:

ClinVar aggregate classification (germline): Likely benign (1 of 4 stars; one submission).

Allele frequency attached by ClinVar (database versions not stated): gnomAD exomes 0.00004; gnomAD 0.00005; TOPMed 0.00005; ExAC 0.00012.
gnomAD v4.1: 67 of 1,614,080 alleles (0.0042%); highest among the groups gnomAD compares: Middle Eastern, 0.13%; no homozygotes.

Submission:

CeGaT Center for Human Genetics Tuebingen
Classification: Likely benign. Last evaluated: 2023-06-01. Review status: criteria provided, single submitter. Criteria: CeGaT Center For Human Genetics Tuebingen Variant Classification Criteria Version 2. Collection method: clinical testing. Allele origin: germline. Affected: yes. Observed: 1 variant allele.
Comment: TTC12: BP4, BP7

NM_017868.4(TTC12):c.951T>C (p.Val317=)

Gene: TTC12 (tetratricopeptide repeat domain 12; plus strand). Cytogenetic location: 11q23.2.
Variant type: single nucleotide variant.
Coding change: c.951T>C on transcript NM_017868.4 (MANE Select); coding-DNA position 951, T replaced by C.
Protein change: p.Val317=; no amino-acid change (valine 317 retained).
Molecular consequence: synonymous variant. On other transcripts: non-coding transcript variant (3).
Genome position (GRCh38, 1-based): chr11:113,341,891, T>C. VCF-style: chr11-113341891-T-C. GRCh37 (hg19) VCF-style: chr11-113212613-T-C.
Other names: c.969T>C, p.Val323= (NM_001318533.2); c.876T>C, p.Val292= (NM_001352037.2); c.954T>C, p.Val318= (NM_001378063.1); c.951T>C, p.Val317= (NM_001378064.1, NM_001378065.1).
Identifiers: ClinVar variation 2642377 (VCV002642377.24), dbSNP rs782679615, ClinGen allele CA6280003.